The following is an entry in ClinVar:

NM_000393.5(COL5A2):c.2031+279A>G

Gene: COL5A2 (collagen type V alpha 2 chain; minus strand). Cytogenetic location: 2q32.2.
Variant type: single nucleotide variant.
Coding change: c.2031+279A>G on transcript NM_000393.5 (MANE Select); 279 bases into the intron after coding-DNA position 2031, A replaced by G.
Molecular consequence: intron variant.
Genome position (GRCh38, 1-based): chr2:189,061,283, T>C on the plus strand (A>G on the coding strand, the complement: COL5A2 is on the minus strand). VCF-style: chr2-189061283-T-C. GRCh37 (hg19) VCF-style: chr2-189926009-T-C.
Other names: NC_000002.11:g.189926009T>C.
Identifiers: ClinVar variation 681252 (VCV000681252.2), dbSNP rs72904403, ClinGen allele CA11343221.
Genomic context (GRCh38, chr2:189,061,283, plus strand): 5'-GTCACTGTGCCGATAAAACAAAATCAGCCTTAAAATGGTTTCATAAACTTTGTTGAGCTA[T>C]CAGAAACATTTTATTCCTGATATCTTTTTATTACTTTTTTGTTATTTTTTATTTGTTTTG-3'

ClinVar aggregate classification (germline): Benign (1 of 4 stars; one submission).

Allele frequency attached by ClinVar (database versions not stated): TOPMed 0.08112; gnomAD 0.08306; 1000 Genomes Project 30x 0.08932; 1000 Genomes Project 0.09285.
gnomAD v4.1: 12,961 of 152,246 alleles (8.5%); highest among the groups gnomAD compares: South Asian, 16%; 635 homozygotes.

Submissions (6):

GeneDx
Classification: Benign. Last evaluated: 2018-06-14. Review status: criteria provided, single submitter. Criteria: GeneDx Variant Classification (06012015). Collection method: clinical testing. Allele origin: germline. Affected: yes.
Comment: This variant is considered likely benign or benign based on one or more of the following criteria: it is a conservative change, it occurs at a poorly conserved position in the protein, it is predicted to be benign by multiple in silico algorithms, and/or has population frequency not consistent with disease.

Dr. Peter K. Rogan Lab, Western University
No classification provided (evidence only). Condition: Thymoma. Review status: no classification provided. Collection method: in vitro. Allele origin: not applicable. Functional consequence: retained intron. Not counted in ClinVar's aggregate classification.

Dr. Peter K. Rogan Lab, Western University
No classification provided (evidence only). Condition: Cholangiocarcinoma. Review status: no classification provided. Collection method: in vitro. Allele origin: not applicable. Functional consequence: retained intron. Not counted in ClinVar's aggregate classification.

Dr. Peter K. Rogan Lab, Western University
No classification provided (evidence only). Condition: Ovarian serous cystadenocarcinoma. Review status: no classification provided. Collection method: in vitro. Allele origin: not applicable. Functional consequence: retained intron. Not counted in ClinVar's aggregate classification.

Dr. Peter K. Rogan Lab, Western University
No classification provided (evidence only). Condition: Ovarian serous cystadenocarcinoma. Review status: no classification provided. Collection method: in vitro. Allele origin: not applicable. Functional consequence: retained intron. Not counted in ClinVar's aggregate classification.

Dr. Peter K. Rogan Lab, Western University
No classification provided (evidence only). Condition: Ovarian serous cystadenocarcinoma. Review status: no classification provided. Collection method: in vitro. Allele origin: not applicable. Functional consequence: retained intron. Not counted in ClinVar's aggregate classification.